The following is an entry in ClinVar:

ClinVar aggregate classification (germline): Conflicting classifications of pathogenicity. Review status: criteria provided, conflicting classifications (1 of 4 stars). 3 submissions from 3 submitters: Uncertain significance (2); Likely benign (1). Last evaluated 2025-01-06.

Conditions:
Congenital disorder of glycosylation, type Iaa. Also called: Congenital disorder of glycosylation, type 1aa. Identifiers: MedGen C4310727, MONDO:0014904, OMIM 617082.
Inborn genetic diseases. Identifiers: MedGen C0950123, MeSH D030342.

Allele frequency attached by ClinVar (database versions not stated): gnomAD exomes 0.00006 and 0.00015; TOPMed 0.00009.
gnomAD v4.1: 224 of 1,543,494 alleles (0.015%); highest among the groups gnomAD compares: Non-Finnish European, 0.018%; 1 homozygote.

Submissions (3):

Labcorp Genetics (formerly Invitae), Labcorp
Classification: Uncertain significance for Congenital disorder of glycosylation, type Iaa. Last evaluated: 2025-01-06. Review status: criteria provided, single submitter. Criteria: Invitae Variant Classification Sherloc (09022015). Collection method: clinical testing. Allele origin: germline.
Comment: This sequence change replaces histidine, which is basic and polar, with glutamine, which is neutral and polar, at codon 82 of the NUS1 protein (p.His82Gln). This variant is present in population databases (no rsID available, gnomAD 0.01%). This missense change has been observed in individual(s) with clinical features of developmental and epileptic encephalopathy (internal data). ClinVar contains an entry for this variant (Variation ID: 1033081). An algorithm developed to predict the effect of missense changes on protein structure and function (PolyPhen-2) suggests that this variant is likely to be tolerated. In summary, the available evidence is currently insufficient to determine the role of this variant in disease. Therefore, it has been classified as a Variant of Uncertain Significance.

Ambry Genetics
Classification: Likely benign for Inborn genetic diseases. Last evaluated: 2023-02-23. Review status: criteria provided, single submitter. Criteria: Ambry Variant Classification Scheme 2023. Collection method: clinical testing. Allele origin: germline.

Baylor Genetics
Classification: Uncertain significance for Congenital disorder of glycosylation, type Iaa. Last evaluated: 2018-04-18. Review status: criteria provided, single submitter. Criteria: ACMG Guidelines, 2015. Collection method: clinical testing. Allele origin: maternal. Affected: yes.
Comment: This variant was determined to be of uncertain significance according to ACMG Guidelines, 2015 [PMID:25741868].

NM_138459.5(NUS1):c.246C>G (p.His82Gln)

Gene: NUS1 (NUS1 dehydrodolichyl diphosphate synthase subunit; plus strand). Cytogenetic location: 6q22.1.
Variant type: single nucleotide variant.
Coding change: c.246C>G on transcript NM_138459.5 (MANE Select); coding-DNA position 246, C replaced by G.
Protein change: p.His82Gln; replaces histidine 82 with glutamine.
Molecular consequence: missense variant.
Genome position (GRCh38, 1-based): chr6:117,675,916, C>G. VCF-style: chr6-117675916-C-G. GRCh37 (hg19) VCF-style: chr6-117997079-C-G.
Other names: short protein forms H82Q.
Identifiers: ClinVar variation 1033081 (VCV001033081.8), dbSNP rs1023259853, ClinGen allele CA146431393.